The following is an entry in ClinVar:

ClinVar aggregate classification (germline): Likely benign (0 of 4 stars; one submission).

Conditions:
TRPM3-related disorder. Also called: TRPM3-related condition.

Allele frequency attached by ClinVar (database versions not stated): TOPMed below 0.00001.

Submission:

PreventionGenetics, part of Exact Sciences
Classification: Likely benign for TRPM3-related condition. Last evaluated: 2020-12-18. Review status: no assertion criteria provided. Collection method: clinical testing. Allele origin: germline.
Comment: This variant is classified as likely benign based on ACMG/AMP sequence variant interpretation guidelines (Richards et al. 2015 PMID: 25741868, with internal and published modifications).

NM_001366143.2(TRPM3):c.103A>C (p.Arg35=)

Gene: TRPM3 (transient receptor potential cation channel subfamily M member 3; minus strand). Cytogenetic location: 9q21.13.
Variant type: single nucleotide variant.
Coding change: c.103A>C on transcript NM_001366143.2; coding-DNA position 103, A replaced by C.
Protein change: p.Arg35=; no amino-acid change (arginine 35 retained).
Molecular consequence: synonymous variant.
Genome position (GRCh38, 1-based): chr9:71,446,733, T>G on the plus strand (A>C on the coding strand, the complement: TRPM3 is on the minus strand). VCF-style: chr9-71446733-T-G. GRCh37 (hg19) VCF-style: chr9-74061649-T-G.
Other names: c.103A>C, p.Arg35= (NM_001366141.2, NM_001366142.2, NM_001366144.2).
Identifiers: ClinVar variation 3031427 (VCV003031427.2), dbSNP rs1421856712, ClinGen allele CA465473578.